The following is an entry in ClinVar:

NM_015164.4(PLEKHM2):c.1065C>G (p.Asn355Lys)

Gene: PLEKHM2 (pleckstrin homology and RUN domain containing M2; plus strand). Cytogenetic location: 1p36.21.
Variant type: single nucleotide variant.
Coding change: c.1065C>G on transcript NM_015164.4 (MANE Select); coding-DNA position 1065, C replaced by G.
Protein change: p.Asn355Lys; replaces asparagine 355 with lysine.
Molecular consequence: missense variant.
Genome position (GRCh38, 1-based): chr1:15,727,137, C>G. VCF-style: chr1-15727137-C-G. GRCh37 (hg19) VCF-style: chr1-16053632-C-G.
Other names: short protein forms N355K.
Identifiers: ClinVar variation 1407285 (VCV001407285.6), dbSNP rs377142193, ClinGen allele CA338585139.

ClinVar aggregate classification (germline): Uncertain significance (1 of 4 stars; one submission).

gnomAD v4.1: 7 of 1,592,770 alleles (0.00044%); highest among the groups gnomAD compares: Non-Finnish European, 0.00043%; no homozygotes.

Submission:

Labcorp Genetics (formerly Invitae), Labcorp
Classification: Uncertain significance. Last evaluated: 2021-09-29. Review status: criteria provided, single submitter. Criteria: Invitae Variant Classification Sherloc (09022015). Collection method: clinical testing. Allele origin: germline.
Comment: In summary, the available evidence is currently insufficient to determine the role of this variant in disease. Therefore, it has been classified as a Variant of Uncertain Significance. Algorithms developed to predict the effect of missense changes on protein structure and function (SIFT, PolyPhen-2, Align-GVGD) all suggest that this variant is likely to be tolerated. This variant has not been reported in the literature in individuals affected with PLEKHM2-related conditions. This variant is not present in population databases (ExAC no frequency). This sequence change replaces asparagine with lysine at codon 355 of the PLEKHM2 protein (p.Asn355Lys). The asparagine residue is weakly conserved and there is a moderate physicochemical difference between asparagine and lysine.